The following is an entry in ClinVar:

NM_201384.3(PLEC):c.4334G>A (p.Arg1445His)

Gene: PLEC (plectin; minus strand). Cytogenetic location: 8q24.3.
Variant type: single nucleotide variant.
Coding change: c.4334G>A on transcript NM_201384.3 (MANE Select); coding-DNA position 4334, G replaced by A.
Protein change: p.Arg1445His; replaces arginine 1445 with histidine.
Molecular consequence: missense variant.
Genome position (GRCh38, 1-based): chr8:143,925,595, C>T on the plus strand (G>A on the coding strand, the complement: PLEC is on the minus strand). VCF-style: chr8-143925595-C-T. GRCh37 (hg19) VCF-style: chr8-144999763-C-T.
Other names: c.4415G>A, p.Arg1472His (NM_000445.5); c.4292G>A, p.Arg1431His (NM_201378.4); c.4268G>A, p.Arg1423His (NM_201379.3); c.4745G>A, p.Arg1582His (NM_201380.4); c.4238G>A, p.Arg1413His (NM_201381.3); c.4334G>A, p.Arg1445His (NM_201382.4); c.4346G>A, p.Arg1449His (NM_201383.3); short protein forms R1445H, R1472H, R1431H, R1449H, R1582H, R1423H, R1413H.
Identifiers: ClinVar variation 538970 (VCV000538970.7), dbSNP rs782421383, ClinGen allele CA4926699.

ClinVar aggregate classification (germline): Uncertain significance. Review status: criteria provided, multiple submitters, no conflicts (2 of 4 stars). 2 submissions from 2 submitters: Uncertain significance (2). Last evaluated 2026-05-27.

Conditions:
PLEC-related disorder. Also called: PLEC-related disorders; PLEC-related condition.
Epidermolysis bullosa simplex, Ogna type (EBS5A). Also called: Pidermolysis bullosa simplex 5A, Ogna type; EPIDERMOLYSIS BULLOSA SIMPLEX 5A, OGNA TYPE. Identifiers: Orphanet 79401, MedGen C0432317, MONDO:0007555, OMIM 131950.
Epidermolysis bullosa simplex 5B, with muscular dystrophy (EBS5B). Also called: Epidermolysis bullosa simplex with muscular dystrophy; EPIDERMOLYSIS BULLOSA SIMPLEX AND LIMB-GIRDLE MUSCULAR DYSTROPHY. Identifiers: Orphanet 257, MedGen C2931072, MONDO:0009181, OMIM 226670.
Epidermolysis bullosa simplex with nail dystrophy (EBS5D). Identifiers: MedGen C4225309, MONDO:0014661, OMIM 616487.
Autosomal recessive limb-girdle muscular dystrophy type 2Q (LGMDR17). Also called: MUSCULAR DYSTROPHY, LIMB-GIRDLE, AUTOSOMAL RECESSIVE 17. Identifiers: Orphanet 254361, MedGen C3150989, MONDO:0013390, OMIM 613723.
Epidermolysis bullosa simplex 5C, with pyloric atresia (EBS5C). Also called: PLEC-Related Epidermolysis Bullosa with Pyloric Atresia; Epidermolysis bullosa simplex with pyloric atresia; PLEC1-Related Epidermolysis Bullosa with Pyloric Atresia. Identifiers: Orphanet 158684, MedGen C2677349, MONDO:0012807, OMIM 612138.

Allele frequency attached by ClinVar (database versions not stated): gnomAD exomes 0.00001 and 0.00002; ExAC 0.00002; gnomAD 0.00003; TOPMed 0.00003.
gnomAD v4.1: 26 of 1,570,520 alleles (0.0017%); highest among the groups gnomAD compares: East Asian, 0.012%; no homozygotes.

Submissions (2):

PreventionGenetics, part of Exact Sciences
Classification: Uncertain significance for PLEC-related condition. Last evaluated: 2026-05-27. Review status: criteria provided, single submitter. Criteria: ACMG Guidelines, 2015. Collection method: clinical testing. Allele origin: germline.
Comment: The PLEC c.4415G>A variant is predicted to result in the amino acid substitution p.Arg1472His. To our knowledge, this variant has not been reported in the literature. This variant is reported in 0.011% of alleles in individuals of South Asian descent in gnomAD. At this time, the clinical significance of this variant is uncertain due to the absence of conclusive functional and genetic evidence.

Labcorp Genetics (formerly Invitae), Labcorp
Classification: Uncertain significance for Autosomal recessive limb-girdle muscular dystrophy type 2Q; Epidermolysis bullosa simplex, Ogna type; Epidermolysis bullosa simplex with nail dystrophy; Epidermolysis bullosa simplex 5C, with pyloric atresia; Epidermolysis bullosa simplex 5B, with muscular dystrophy. Last evaluated: 2025-09-10. Review status: criteria provided, single submitter. Criteria: Invitae Variant Classification Sherloc (09022015). Collection method: clinical testing. Allele origin: germline.
Comment: This sequence change replaces arginine, which is basic and polar, with histidine, which is basic and polar, at codon 1472 of the PLEC protein (p.Arg1472His). This variant is present in population databases (rs782421383, gnomAD 0.008%). This variant has not been reported in the literature in individuals affected with PLEC-related conditions. ClinVar contains an entry for this variant (Variation ID: 538970). Experimental studies and prediction algorithms are not available or were not evaluated, and the functional significance of this variant is currently unknown. In summary, the available evidence is currently insufficient to determine the role of this variant in disease. Therefore, it has been classified as a Variant of Uncertain Significance.